The following is an entry in ClinVar:

ClinVar aggregate classification (germline): Pathogenic (1 of 4 stars; one submission).

Submission:

Labcorp Genetics (formerly Invitae), Labcorp
Classification: Pathogenic. Last evaluated: 2022-05-23. Review status: criteria provided, single submitter. Criteria: Invitae Variant Classification Sherloc (09022015). Collection method: clinical testing. Allele origin: germline.
Comment: For these reasons, this variant has been classified as Pathogenic. Algorithms developed to predict the effect of sequence changes on RNA splicing suggest that this variant may create or strengthen a splice site. This variant has not been reported in the literature in individuals affected with MYO5B-related conditions. This variant is not present in population databases (gnomAD no frequency). This sequence change creates a premature translational stop signal (p.Gln993*) in the MYO5B gene. It is expected to result in an absent or disrupted protein product. Loss-of-function variants in MYO5B are known to be pathogenic (PMID: 18724368, 20186687).

Literature cited by the submitters: PubMed 18724368; PubMed 20186687.

NM_001080467.3(MYO5B):c.2977C>T (p.Gln993Ter)

Gene: MYO5B (myosin VB; minus strand). Cytogenetic location: 18q21.1.
Variant type: single nucleotide variant.
Coding change: c.2977C>T on transcript NM_001080467.3 (MANE Select); coding-DNA position 2977, C replaced by T.
Protein change: p.Gln993Ter; replaces glutamine 993 with a stop codon.
Molecular consequence: nonsense.
Genome position (GRCh38, 1-based): chr18:49,895,009, G>A on the plus strand (C>T on the coding strand, the complement: MYO5B is on the minus strand). VCF-style: chr18-49895009-G-A. GRCh37 (hg19) VCF-style: chr18-47421379-G-A.
Other names: short protein forms Q993*.
Identifiers: ClinVar variation 2110854 (VCV002110854.4), dbSNP rs2511270896, ClinGen allele CA402429627.